The following is an entry in ClinVar:

NM_004168.4(SDHA):c.1413C>G (p.Ile471Met)

Gene: SDHA (succinate dehydrogenase complex flavoprotein subunit A; plus strand). Cytogenetic location: 5p15.33.
Variant type: single nucleotide variant.
Coding change: c.1413C>G on transcript NM_004168.4 (MANE Select); coding-DNA position 1413, C replaced by G.
Protein change: p.Ile471Met; replaces isoleucine 471 with methionine.
Molecular consequence: missense variant.
Genome position (GRCh38, 1-based): chr5:236,580, C>G. VCF-style: chr5-236580-C-G. GRCh37 (hg19) VCF-style: chr5-236695-C-G.
Other names: c.1413C>G (NM_004168.2); c.1269C>G, p.Ile423Met (NM_001294332.2); c.1413C>G, p.Ile471Met (NM_001330758.2); short protein forms I423M, I471M.
Identifiers: ClinVar variation 838091 (VCV000838091.6), dbSNP rs34779890, ClinGen allele CA359014104.

ClinVar aggregate classification (germline): Uncertain significance. Review status: criteria provided, multiple submitters, no conflicts (2 of 4 stars). 2 submissions from 2 submitters: Uncertain significance (2). Last evaluated 2024-07-30.

Conditions:
Hereditary cancer-predisposing syndrome. Also called: Tumor predisposition; Hereditary neoplastic syndrome; Neoplastic Syndromes, Hereditary; Hereditary Cancer Syndrome. Identifiers: Orphanet 140162, MedGen C0027672, MeSH D009386, MONDO:0015356.
Pheochromocytoma/paraganglioma syndrome 5. Also called: Paragangliomas 5; SDHA-Related Hereditary Paraganglioma-Pheochromocytoma Syndrome. Identifiers: Orphanet 29072, MedGen C3279992, MONDO:0013602, OMIM 614165.
Mitochondrial complex II deficiency, nuclear type 1. Also called: SUCCINATE CoQ REDUCTASE DEFICIENCY. Identifiers: Orphanet 3208, MedGen C5700310, MONDO:0100294, OMIM 252011.

gnomAD v4.1: 1 of 1,614,000 alleles (0.000062%); highest among the groups gnomAD compares: South Asian, 0.0011%; no homozygotes.

Submissions (2):

Ambry Genetics
Classification: Uncertain significance for Hereditary cancer-predisposing syndrome. Last evaluated: 2024-07-30. Review status: criteria provided, single submitter. Criteria: Ambry Variant Classification Scheme 2023. Collection method: clinical testing. Allele origin: germline.
Comment: The p.I471M variant (also known as c.1413C>G), located in coding exon 10 of the SDHA gene, results from a C to G substitution at nucleotide position 1413. The isoleucine at codon 471 is replaced by methionine, an amino acid with highly similar properties. This amino acid position is highly conserved in available vertebrate species. In addition, the in silico prediction for this alteration is inconclusive. Based on the available evidence, the clinical significance of this variant remains unclear.

Labcorp Genetics (formerly Invitae), Labcorp
Classification: Uncertain significance for Pheochromocytoma/paraganglioma syndrome 5; Mitochondrial complex II deficiency, nuclear type 1. Last evaluated: 2022-06-04. Review status: criteria provided, single submitter. Criteria: Invitae Variant Classification Sherloc (09022015). Collection method: clinical testing. Allele origin: germline.
Comment: This sequence change replaces isoleucine, which is neutral and non-polar, with methionine, which is neutral and non-polar, at codon 471 of the SDHA protein (p.Ile471Met). This variant is not present in population databases (gnomAD no frequency). This variant has not been reported in the literature in individuals affected with SDHA-related conditions. ClinVar contains an entry for this variant (Variation ID: 838091). Advanced modeling of protein sequence and biophysical properties (such as structural, functional, and spatial information, amino acid conservation, physicochemical variation, residue mobility, and thermodynamic stability) performed at Invitae indicates that this missense variant is not expected to disrupt SDHA protein function. In summary, the available evidence is currently insufficient to determine the role of this variant in disease. Therefore, it has been classified as a Variant of Uncertain Significance.